The following is an entry in ClinVar:

NM_001372.4(DNAH9):c.5167A>T (p.Thr1723Ser)

Gene: DNAH9 (dynein axonemal heavy chain 9; plus strand). Cytogenetic location: 17p12.
Variant type: single nucleotide variant.
Coding change: c.5167A>T on transcript NM_001372.4 (MANE Select); coding-DNA position 5167, A replaced by T.
Protein change: p.Thr1723Ser; replaces threonine 1723 with serine.
Molecular consequence: missense variant.
Genome position (GRCh38, 1-based): chr17:11,704,218, A>T. VCF-style: chr17-11704218-A-T. GRCh37 (hg19) VCF-style: chr17-11607535-A-T.
Other names: short protein forms T1723S.
Identifiers: ClinVar variation 3659770 (VCV003659770.2).

ClinVar aggregate classification (germline): Uncertain significance (1 of 4 stars; one submission).

gnomAD v4.1: 1 of 1,614,068 alleles (0.000062%); highest among the groups gnomAD compares: Non-Finnish European, 0.000085%; no homozygotes.

Submission:

Labcorp Genetics (formerly Invitae), Labcorp
Classification: Uncertain significance. Last evaluated: 2024-07-17. Review status: criteria provided, single submitter. Criteria: Invitae Variant Classification Sherloc (09022015). Collection method: clinical testing. Allele origin: germline.
Comment: This sequence change replaces threonine, which is neutral and polar, with serine, which is neutral and polar, at codon 1723 of the DNAH9 protein (p.Thr1723Ser). This variant is not present in population databases (gnomAD no frequency). This variant has not been reported in the literature in individuals affected with DNAH9-related conditions. Advanced modeling of protein sequence and biophysical properties (such as structural, functional, and spatial information, amino acid conservation, physicochemical variation, residue mobility, and thermodynamic stability) performed at Invitae indicates that this missense variant is not expected to disrupt DNAH9 protein function with a negative predictive value of 80%. In summary, the available evidence is currently insufficient to determine the role of this variant in disease. Therefore, it has been classified as a Variant of Uncertain Significance.